The following is an entry in ClinVar:

ClinVar aggregate classification (germline): Uncertain significance. Review status: criteria provided, multiple submitters, no conflicts (2 of 4 stars). 2 submissions from 2 submitters: Uncertain significance (2). Last evaluated 2025-04-12.

Conditions:
Inborn genetic diseases. Identifiers: MedGen C0950123, MeSH D030342.

gnomAD v4.1: 3 of 1,613,950 alleles (0.00019%); highest among the groups gnomAD compares: Non-Finnish European, 0.00025%; no homozygotes.

Submissions (2):

Ambry Genetics
Classification: Uncertain significance for Inborn genetic diseases. Last evaluated: 2025-04-12. Review status: criteria provided, single submitter. Criteria: Ambry Variant Classification Scheme 2023. Collection method: clinical testing. Allele origin: germline.
Comment: The p.D1100G variant (also known as c.3299A>G), located in coding exon 24 of the ANKRD26 gene, results from an A to G substitution at nucleotide position 3299. The aspartic acid at codon 1100 is replaced by glycine, an amino acid with similar properties. This amino acid position is conserved. In addition, this alteration is predicted to be tolerated by in silico analysis. Based on the available evidence, the clinical significance of this variant remains unclear.

GeneDx
Classification: Uncertain significance. Last evaluated: 2025-03-28. Review status: criteria provided, single submitter. Criteria: GeneDx Variant Classification Process June 2021. Collection method: clinical testing. Allele origin: germline. Affected: yes.
Comment: Not observed at significant frequency in large population cohorts (gnomAD); In silico analysis supports that this missense variant has a deleterious effect on protein structure/function; Has not been previously published as pathogenic or benign to our knowledge

NM_014915.3(ANKRD26):c.3299A>G (p.Asp1100Gly)

Gene: ANKRD26 (ankyrin repeat domain containing 26; minus strand). Cytogenetic location: 10p12.1.
Variant type: single nucleotide variant.
Coding change: c.3299A>G on transcript NM_014915.3 (MANE Select); coding-DNA position 3299, A replaced by G.
Protein change: p.Asp1100Gly; replaces aspartic acid 1100 with glycine.
Molecular consequence: missense variant.
Genome position (GRCh38, 1-based): chr10:27,035,151, T>C on the plus strand (A>G on the coding strand, the complement: ANKRD26 is on the minus strand). VCF-style: chr10-27035151-T-C. GRCh37 (hg19) VCF-style: chr10-27324080-T-C.
Other names: c.3296A>G, p.Asp1099Gly (NM_001256053.2); short protein forms D1099G, D1100G.
Identifiers: ClinVar variation 3913702 (VCV003913702.2).